The following is an entry in ClinVar:

ClinVar aggregate classification (germline): Pathogenic. Review status: criteria provided, multiple submitters, no conflicts (2 of 4 stars). 2 submissions from 2 submitters: Pathogenic (2). Last evaluated 2025-07-23.

Conditions:
Arrhythmogenic right ventricular dysplasia 8 (ARVD8). Also called: Arrhythmogenic Right Ventricular Dysplasia/Cardiomyopathy 8; ARRHYTHMOGENIC RIGHT VENTRICULAR DYSPLASIA, FAMILIAL, 8; ARRHYTHMOGENIC RIGHT VENTRICULAR CARDIOMYOPATHY 8. Identifiers: MedGen C1843896, MONDO:0011831, OMIM 607450.
Arrhythmogenic cardiomyopathy with wooly hair and keratoderma. Also called: Carvajal syndrome; PALMOPLANTAR KERATODERMA WITH LEFT VENTRICULAR CARDIOMYOPATHY AND WOOLLY HAIR; Arrhythmogenic cardiomyopathy with woolly hair and keratoderma; Dilated cardiomyopathy with woolly hair and keratoderma. Identifiers: Orphanet 65282, MedGen C1854063, MONDO:0011581, OMIM 605676.

Submissions (2):

Labcorp Genetics (formerly Invitae), Labcorp
Classification: Pathogenic for Arrhythmogenic cardiomyopathy with wooly hair and keratoderma; Arrhythmogenic right ventricular dysplasia 8. Last evaluated: 2025-07-23. Review status: criteria provided, single submitter. Criteria: Invitae Variant Classification Sherloc (09022015). Collection method: clinical testing. Allele origin: germline.
Comment: This sequence change creates a premature translational stop signal (p.Gln309*) in the DSP gene. It is expected to result in an absent or disrupted protein product. Loss-of-function variants in DSP are known to be pathogenic (PMID: 20716751, 24503780, 25227139). This variant is not present in population databases (gnomAD no frequency). This variant has not been reported in the literature in individuals affected with DSP-related conditions. ClinVar contains an entry for this variant (Variation ID: 692081). For these reasons, this variant has been classified as Pathogenic.

Rady Children's Institute for Genomic Medicine, Rady Children's Hospital San Diego
Classification: Pathogenic for ARRHYTHMOGENIC RIGHT VENTRICULAR DYSPLASIA, FAMILIAL, 8. Last evaluated: 2019-03-01. Review status: criteria provided, single submitter. Criteria: ACMG Guidelines, 2015. Collection method: clinical testing. Allele origin: germline. Affected: yes. Observed: 1 variant allele.
Comment: This nonsense variant found in exon 7 of 24 is predicted to result in loss of normal protein function. This variant has not been previously reported or functionally characterized in the literature to our knowledge. It is absent from the ExAC and gnomAD population databases and thus is presumed to be rare. Based on the available evidence, the c.925C>T (p.Gln309Ter) variant is classified as pathogenic.

Literature cited by the submitters: PubMed 20716751 (cited by Labcorp Genetics (formerly Invitae), Labcorp); PubMed 24503780 (cited by Labcorp Genetics (formerly Invitae), Labcorp); PubMed 25227139 (cited by Labcorp Genetics (formerly Invitae), Labcorp).

NM_004415.4(DSP):c.925C>T (p.Gln309Ter)

Gene: DSP (desmoplakin; plus strand). Cytogenetic location: 6p24.3.
Variant type: single nucleotide variant.
Coding change: c.925C>T on transcript NM_004415.4 (MANE Select); coding-DNA position 925, C replaced by T.
Protein change: p.Gln309Ter; replaces glutamine 309 with a stop codon.
Molecular consequence: nonsense.
Genome position (GRCh38, 1-based): chr6:7,565,506, C>T. VCF-style: chr6-7565506-C-T. GRCh37 (hg19) VCF-style: chr6-7565739-C-T.
Other names: c.925C>T, p.Gln309Ter (NM_001008844.3, NM_001319034.2); short protein forms Q309*.
Identifiers: ClinVar variation 692081 (VCV000692081.4), dbSNP rs1581799453, ClinGen allele CA362674678.